The following is an entry in ClinVar:

ClinVar aggregate classification (germline): Uncertain significance (1 of 4 stars; one submission).

Conditions:
Primary ciliary dyskinesia. Also called: Ciliary dyskinesia. Identifiers: Orphanet 244, MedGen C0008780, MONDO:0016575, HP:0012265.

Submission:

Labcorp Genetics (formerly Invitae), Labcorp
Classification: Uncertain significance for Primary ciliary dyskinesia. Last evaluated: 2022-11-17. Review status: criteria provided, single submitter. Criteria: Invitae Variant Classification Sherloc (09022015). Collection method: clinical testing. Allele origin: germline.
Comment: In summary, the available evidence is currently insufficient to determine the role of this variant in disease. Therefore, it has been classified as a Variant of Uncertain Significance. Algorithms developed to predict the effect of missense changes on protein structure and function (SIFT, PolyPhen-2, Align-GVGD) all suggest that this variant is likely to be disruptive. This variant has not been reported in the literature in individuals affected with DNAAF1-related conditions. This variant is not present in population databases (gnomAD no frequency). This sequence change replaces tryptophan, which is neutral and slightly polar, with arginine, which is basic and polar, at codon 294 of the DNAAF1 protein (p.Trp294Arg).

NM_178452.6(DNAAF1):c.880T>C (p.Trp294Arg)

Gene: DNAAF1 (dynein axonemal assembly factor 1; plus strand). Cytogenetic location: 16q24.1.
Variant type: single nucleotide variant.
Coding change: c.880T>C on transcript NM_178452.6 (MANE Select); coding-DNA position 880, T replaced by C.
Protein change: p.Trp294Arg; replaces tryptophan 294 with arginine.
Molecular consequence: missense variant.
Genome position (GRCh38, 1-based): chr16:84,165,799, T>C. VCF-style: chr16-84165799-T-C. GRCh37 (hg19) VCF-style: chr16-84199405-T-C.
Other names: c.124T>C, p.Trp42Arg (NM_001318756.1); short protein forms W294R, W42R.
Identifiers: ClinVar variation 2806578 (VCV002806578.3), dbSNP rs1479444145, ClinGen allele CA396946225.